The following is an entry in ClinVar:

NM_000218.3(KCNQ1):c.1514+4203G>A

Genes: KCNQ1 (potassium voltage-gated channel subfamily Q member 1; plus strand), KCNQ1OT1 (KCNQ1 opposite strand/antisense transcript 1; minus strand). Cytogenetic location: 11p15.5.
Variant type: single nucleotide variant.
Coding change: c.1514+4203G>A on transcript NM_000218.3 (MANE Select); 4203 bases into the intron after coding-DNA position 1514, G replaced by A.
Molecular consequence: intron variant. On other transcripts: non-coding transcript variant (1).
Genome position (GRCh38, 1-based): chr11:2,666,284, G>A. VCF-style: chr11-2666284-G-A. GRCh37 (hg19) VCF-style: chr11-2687514-G-A.
Other names: c.1244+4203G>A (NM_001406837.1); c.1418+4203G>A (NM_001406836.1); c.974+4203G>A (NM_001406838.1); c.1133+4203G>A (NM_181798.2).
Identifiers: ClinVar variation 3043964 (VCV003043964.2), dbSNP rs57981461, ClinGen allele CA216174686.
Genomic context (GRCh38, chr11:2,666,284, plus strand): 5'-CCGGCCCATTGAGATGGGCATGGGGGAGGACCAGGACCCCCGAGGCTGGGCAGAGGGGGT[G>A]GAAAGAAGGCAGAGGGAAAGCTGCAGAGACCCCCACCAGGTGACTGTGAGCACCTCCCTG-3'

ClinVar aggregate classification (germline): Benign (0 of 4 stars; one submission).

Conditions:
KCNQ1-related disorder. Also called: KCNQ1-related condition; KCNQ1-related disorders. Identifiers: MedGen CN239322.

Allele frequency attached by ClinVar (database versions not stated): gnomAD exomes 0.00128; gnomAD 0.01288; TOPMed 0.01457; 1000 Genomes Project 0.01637; 1000 Genomes Project 30x 0.01749.
gnomAD v4.1: 2,295 of 398,724 alleles (0.58%); highest among the groups gnomAD compares: African/African-American, 4.3%; 41 homozygotes.

Submission:

PreventionGenetics, part of Exact Sciences
Classification: Benign for KCNQ1-related condition. Last evaluated: 2019-04-10. Review status: no assertion criteria provided. Collection method: clinical testing. Allele origin: germline.
Comment: This variant is classified as benign based on ACMG/AMP sequence variant interpretation guidelines (Richards et al. 2015 PMID: 25741868, with internal and published modifications).